The following is an entry in ClinVar:

ClinVar aggregate classification (germline): Likely pathogenic. Review status: criteria provided, single submitter (1 of 4 stars). 2 submissions from 2 submitters: Likely pathogenic (1). 1 of the submissions does not count toward it. Last evaluated 2024-07-01.

Conditions:
Niemann-Pick disease, type C1. Also called: NIEMANN-PICK DISEASE, VARIANT TYPE C1; NEUROVISCERAL STORAGE DISEASE WITH VERTICAL SUPRANUCLEAR OPHTHALMOPLEGIA; NIEMANN-PICK DISEASE WITH CHOLESTEROL ESTERIFICATION BLOCK; NIEMANN-PICK DISEASE WITHOUT SPHINGOMYELINASE DEFICIENCY; NIEMANN-PICK DISEASE, CHRONIC NEURONOPATHIC FORM. Identifiers: Orphanet 646, MedGen C3179455, MONDO:0009757, OMIM 257220.

Allele frequency attached by ClinVar (database versions not stated): gnomAD exomes below 0.00001.
gnomAD v4.1: 1 of 1,596,996 alleles (0.000063%); highest among the groups gnomAD compares: Non-Finnish European, 0.000086%; no homozygotes.

Submissions (2):

3billion
Classification: Likely pathogenic for Niemann-Pick disease, type C1. Last evaluated: 2024-07-01. Review status: criteria provided, single submitter. Criteria: ACMG Guidelines, 2015. Collection method: clinical testing. Allele origin: germline. Affected: yes.
Comment: The variant is observed at an extremely low frequency in the gnomAD v4.0.0 dataset (total allele frequency: <0.001%). Predicted Consequence/Location: The variant is located in a mutational hot spot and/or well-established functional domain in which established pathogenic variants have been reported (PMID: 11333381, 15774455). In silico tool predictions suggest damaging effect of the variant on gene or gene product [REVEL: 0.85 (>=0.6, sensitivity 0.68 and specificity 0.92); 3Cnet: 0.91 (>=0.6, sensitivity 0.72 and precision 0.9)]. The same nucleotide change resulting in the same amino acid change has been previously reported to be associated with NPC1 related disorder (PMID: 26981555).A different missense change at the same codon (p.Met866Val) has been reported to be associated with NPC1 related disorder (PMID: 35614200). Therefore, this variant is classified as Likely pathogenic according to the recommendation of ACMG/AMP guideline.

Counsyl
Classification: Uncertain significance for Niemann-Pick disease, type C1. Last evaluated: 2018-03-24. Review status: no assertion criteria provided. Collection method: clinical testing. Allele origin: unknown. Not counted in ClinVar's aggregate classification.

Literature cited by the submitters: PubMed 11333381 (cited by 3billion); PubMed 15774455 (cited by 3billion); PubMed 26981555 (cited by 3billion and Counsyl); PubMed 35614200 (cited by 3billion).

NM_000271.5(NPC1):c.2597T>C (p.Met866Thr)

Gene: NPC1 (NPC intracellular cholesterol transporter 1; minus strand). Cytogenetic location: 18q11.2.
Variant type: single nucleotide variant.
Coding change: c.2597T>C on transcript NM_000271.5 (MANE Select); coding-DNA position 2597, T replaced by C.
Protein change: p.Met866Thr; replaces methionine 866 with threonine.
Molecular consequence: missense variant.
Genome position (GRCh38, 1-based): chr18:23,540,455, A>G on the plus strand (T>C on the coding strand, the complement: NPC1 is on the minus strand). VCF-style: chr18-23540455-A-G. GRCh37 (hg19) VCF-style: chr18-21120419-A-G.
Other names: short protein forms M866T.
Identifiers: ClinVar variation 556263 (VCV000556263.4), dbSNP rs1181604094, ClinGen allele CA401793082.